The following is an entry in ClinVar:

ClinVar aggregate classification (germline): Likely pathogenic (1 of 4 stars; one submission).

Conditions:
Hereditary cancer-predisposing syndrome. Also called: Neoplastic Syndromes, Hereditary; Tumor predisposition; Hereditary Cancer Syndrome; Hereditary neoplastic syndrome. Identifiers: Orphanet 140162, MedGen C0027672, MeSH D009386, MONDO:0015356.

Submission:

Ambry Genetics
Classification: Likely pathogenic for Hereditary cancer-predisposing syndrome. Last evaluated: 2026-04-29. Review status: criteria provided, single submitter. Criteria: Ambry Variant Classification Scheme 2023. Collection method: clinical testing. Allele origin: germline.
Comment: The c.1519-1G>A intronic variant results from a G to A substitution one nucleotide upstream from coding exon 16 of the MUTYH gene. Alterations that disrupt the canonical splice site are expected to cause aberrant splicing, resulting in an abnormal protein or a transcript that is subject to nonsense-mediated mRNA decay. This variant occurs at the 3' terminus of the gene, is not expected to trigger nonsense-mediated mRNA decay, and only impacts the last 7.8% of the protein. The exact functional effect of this variant is unknown; however, a significant portion of the protein is affected (Ambry internal data). This variant is considered to be rare based on population cohorts in the Genome Aggregation Database (gnomAD). This nucleotide position is highly conserved in available vertebrate species. In silico splice site analysis predicts that this alteration will weaken the native splice acceptor site and will result in the creation or strengthening of a novel splice acceptor site; however, direct evidence is insufficient at this time (Ambry internal data). As such, this alteration is classified as likely pathogenic.

NM_001048174.2(MUTYH):c.1435-1G>A

Gene: MUTYH (mutY DNA glycosylase; minus strand). Cytogenetic location: 1p34.1.
Variant type: single nucleotide variant.
Coding change: c.1435-1G>A on transcript NM_001048174.2 (MANE Select); the canonical splice acceptor site of the intron before coding-DNA position 1435, G replaced by A.
Molecular consequence: splice acceptor variant.
Genome position (GRCh38, 1-based): chr1:45,329,438, C>T on the plus strand (G>A on the coding strand, the complement: MUTYH is on the minus strand). VCF-style: chr1-45329438-C-T. GRCh37 (hg19) VCF-style: chr1-45795110-C-T.
Other names: c.1435-1G>A (NM_001407072.1, NM_001407073.1, NM_001048171.2 and 6 more transcripts); c.1090-1G>A (NM_001350651.2, NM_001407082.1, NM_001350650.2); c.1480-1G>A (NM_001293190.2); c.1468-1G>A (NM_001407069.1, NM_001407077.1, NM_001293191.2); c.1510-1G>A (NM_012222.3); c.1519-1G>A (NM_001128425.2); c.1438-1G>A (NM_001407071.1, NM_001048172.2, NM_001407078.1 and 1 more transcripts); c.1159-1G>A (NM_001293196.2, NM_001407091.1, NM_001293192.2); and 5 more.
Identifiers: ClinVar variation 4860483 (VCV004860483.1).